The following is an entry in ClinVar:

ClinVar aggregate classification (germline): Conflicting classifications of pathogenicity. Review status: criteria provided, conflicting classifications (1 of 4 stars). 14 submissions from 14 submitters: Uncertain significance (11); Likely benign (2). 1 of the submissions does not count toward it. Last evaluated 2026-03-23.

Conditions:
RAD51C-related disorder. Also called: RAD51C-related disorders; RAD51C-related condition.
Breast-ovarian cancer, familial, susceptibility to, 3. Also called: RAD51C-Related Breast/Ovarian Cancer. Identifiers: Orphanet 145, MedGen C3150659, MONDO:0013253, OMIM 613399.
Fanconi anemia complementation group O. Also called: RAD51C-Related Fanconi Anemia. Identifiers: Orphanet 84, MedGen C3150653, MONDO:0013248, OMIM 613390.
Hereditary cancer-predisposing syndrome. Also called: Hereditary Cancer Syndrome; Tumor predisposition; Neoplastic Syndromes, Hereditary; Hereditary neoplastic syndrome. Identifiers: Orphanet 140162, MedGen C0027672, MeSH D009386, MONDO:0015356.

Allele frequency attached by ClinVar (database versions not stated): TOPMed 0.00001; gnomAD exomes 0.00002; ExAC 0.00002.

Submissions (14):

PreventionGenetics, part of Exact Sciences
Classification: Uncertain significance for RAD51C-related condition. Last evaluated: 2026-03-23. Review status: criteria provided, single submitter. Criteria: ACMG Guidelines, 2015. Collection method: clinical testing. Allele origin: germline.
Comment: The RAD51C c.746G>A variant is predicted to result in the amino acid substitution p.Arg249His. This variant has been reported in one control individual in a study of patients with ovarian cancer (Table A4, Song et al. 2015. PubMed ID: 26261251), and in one patient with breast cancer (Table S12, Lu et al. 2015. PubMed ID: 26689913). This variant is reported in 0.012% of alleles in individuals of African descent in gnomAD and has conflicting interpretations ranging from likely benign to uncertain in ClinVar (Variation ID: 182828). Although we suspect that this variant may be benign, the clinical significance of this variant is uncertain at this time due to the absence of conclusive functional and genetic evidence.

Labcorp Genetics (formerly Invitae), Labcorp
Classification: Uncertain significance for Fanconi anemia complementation group O. Last evaluated: 2025-12-20. Review status: criteria provided, single submitter. Criteria: Invitae Variant Classification Sherloc (09022015). Collection method: clinical testing. Allele origin: germline.
Comment: This sequence change replaces arginine, which is basic and polar, with histidine, which is basic and polar, at codon 249 of the RAD51C protein (p.Arg249His). This variant is present in population databases (rs730881925, gnomAD 0.007%). This missense change has been observed in individual(s) with breast cancer (PMID: 26261251, 26689913, 36099300). ClinVar contains an entry for this variant (Variation ID: 182828). Invitae Evidence Modeling of protein sequence and biophysical properties (such as structural, functional, and spatial information, amino acid conservation, physicochemical variation, residue mobility, and thermodynamic stability) has been performed for this missense variant. However, the output from this modeling did not meet the statistical confidence thresholds required to predict the impact of this variant on RAD51C protein function. In summary, the available evidence is currently insufficient to determine the role of this variant in disease. Therefore, it has been classified as a Variant of Uncertain Significance.

Ambry Genetics
Classification: Likely benign for Hereditary cancer-predisposing syndrome. Last evaluated: 2025-10-23. Review status: criteria provided, single submitter. Criteria: Ambry Variant Classification Scheme 2023. Collection method: clinical testing. Allele origin: germline.

Color Diagnostics, LLC DBA Color Health
Classification: Uncertain significance for Hereditary cancer-predisposing syndrome. Last evaluated: 2025-05-29. Review status: criteria provided, single submitter. Criteria: ACMG Guidelines, 2015. Collection method: clinical testing. Allele origin: germline.
Comment: This missense variant replaces arginine with histidine at codon 249 of the RAD51C protein. Computational prediction suggests that this variant may not impact protein structure and function. Functional studies have shown that this variant causes no significant changes to interactions with RAD51D, RAD51B, and XRCC3 and nor homology-directed repair activity (PMID: 37253112, 36099300). This variant has been observed in an individual affected with breast cancer (PMID: 26689913) and in a control individual from an ovarian cancer case-control study (PMID: 26261251). In a large breast cancer case-control study, this variant was observed in 1/60466 cases and 2/53461 unaffected controls (OR=0.442, 95%CI 0.04 to 4.876, p-value=0.603) (PMID: 33471991Leiden Open Variation Database DB-ID RAD51C_000187). This variant has also been identified in 5/251434 chromosomes in the general population by the Genome Aggregation Database (gnomAD). The available evidence is insufficient to determine the role of this variant in disease conclusively. Therefore, this variant is classified as a Variant of Uncertain Significance.

Women's Health and Genetics/Laboratory Corporation of America, LabCorp
Classification: Uncertain significance. Last evaluated: 2025-04-15. Review status: criteria provided, single submitter. Criteria: LabCorp Variant Classification Summary - May 2015. Collection method: clinical testing. Allele origin: germline.
Comment: Variant summary: RAD51C c.746G>A (p.Arg249His) results in a non-conservative amino acid change located in the DNA recombination and repair protein Rad51-like, C-terminal and DNA recombination and repair protein RecA-like, ATP-binding domain (IPR020588) of the encoded protein sequence. Four of five in-silico tools predict a damaging effect of the variant on protein function. The variant allele was found at a frequency of 2.3e-05 in 260978 control chromosomes. The available data on variant occurrences in the general population are insufficient to allow any conclusion about variant significance. c.746G>A has been observed in individuals affected with cancer including breast cancer, as well as unaffected controls (e.g., Lu_2015, Dorling_2021). These reports do not provide unequivocal conclusions about association of the variant with Hereditary Breast And Ovarian Cancer Syndrome. At least one publication reports experimental evidence evaluating an impact on protein function (Hu_2023). These results showed no damaging effect of this variant in an HDR assay. The following publications have been ascertained in the context of this evaluation (PMID: 26261251, 26689913, 33471991, 37253112). ClinVar contains an entry for this variant (Variation ID: 182828). Based on the evidence outlined above, the variant was classified as uncertain significance.

Quest Diagnostics Nichols Institute San Juan Capistrano
Classification: Uncertain significance. Last evaluated: 2025-02-01. Review status: criteria provided, single submitter. Criteria: Quest Diagnostics criteria. Collection method: clinical testing. Allele origin: unknown.
Comment: The RAD51C c.746G>A (p.Arg249His) variant has been reported in the published literature in individuals with breast cancer (PMID: 35884425 (2022), 33471991 (2021), 33471991 (2021), see also LOVD). This variant has also been identified in reportedly healthy individuals (PMID: 33471991 (2021), 31206626 (2019), 26261251 (2015), see also LOVD). The frequency of this variant in the general population (Genome Aggregation Database) is uninformative in the assessment of its pathogenicity. Analysis of this variant using bioinformatics tools for the prediction of the effect of amino acid changes on protein structure and function yielded predictions that this variant is damaging. Based on the available information, we are unable to determine the clinical significance of this variant.

GeneDx
Classification: Uncertain significance. Last evaluated: 2024-06-27. Review status: criteria provided, single submitter. Criteria: GeneDx Variant Classification Process June 2021. Collection method: clinical testing. Allele origin: germline. Affected: yes.
Comment: Not observed at significant frequency in large population cohorts (gnomAD); In silico analysis supports that this missense variant has a deleterious effect on protein structure/function; Published functional studies demonstrate no damaging effect on RAD51D, RAD51B, and XRCC3 interactions (PMID: 36099300); This variant is associated with the following publications: (PMID: 26261251, 33471991, 26689913, 14704354, 25085752, 36099300)

Baylor Genetics
Classification: Uncertain significance for Breast-ovarian cancer, familial, susceptibility to, 3. Last evaluated: 2024-03-04. Review status: criteria provided, single submitter. Criteria: ACMG Guidelines, 2015. Collection method: clinical testing. Allele origin: unknown.

Myriad Genetics, Inc.
Classification: Likely benign for Breast-ovarian cancer, familial, susceptibility to, 3. Last evaluated: 2023-04-05. Review status: criteria provided, single submitter. Criteria: Myriad Autosomal Dominant, Autosomal Recessive and X-Linked Classification Criteria (2023). Collection method: clinical testing. Allele origin: unknown.
Comment: This variant is considered likely benign. This variant is strongly associated with less severe personal and family histories of cancer, typical for individuals without pathogenic variants in this gene [PMID: 25085752].

Sema4
Classification: Uncertain significance for Hereditary cancer-predisposing syndrome. Last evaluated: 2021-11-14. Review status: criteria provided, single submitter. Criteria: Sema4 Curation Guidelines. Collection method: curation. Allele origin: germline.
Comment: The RAD51C c.746G>A (p.R249H) variant has been reported in heterozygosity in at least two individuals with breast cancer (PMID: 26689913, 33471991) as well as at least three healthy controls (PMID: 26261251, 33471991). It was observed in 2/16254 chromosomes of the African/African American subpopulation in the large and broad cohorts of the Genome Aggregation Database (PMID: 32461654). The variant has been reported in ClinVar (Variation ID 182828). Functional studies have not been performed, and in silico predictions of the variant's effect on protein function are inconclusive. The evidence is insufficient to meet ACMG/AMP criteria for classifying the variant as benign or pathogenic. Thus, the clinical significance of this variant is currently uncertain.

Blueprint Genetics
Classification: Uncertain significance. Last evaluated: 2020-10-21. Review status: criteria provided, single submitter. Criteria: ACMG Guidelines, 2015. Collection method: clinical testing. Allele origin: germline.

Division of Medical Genetics, University of Washington
Classification: Uncertain significance for Breast-ovarian cancer, familial, susceptibility to, 3. Last evaluated: 2019-11-22. Review status: criteria provided, single submitter. Criteria: ACMG Guidelines, 2015. Collection method: clinical testing. Allele origin: germline. Affected: no. Study: CSER_CHARM.
Comment: This variant has been reported in the literature in an individual with breast cancer (Lu 2015). This variant has an overall allele frequency of 0.000016 in the Broad Institute gnomAD Browser. In silico analyses indicate this is an evolutionarily conserved residue. Thus, it is unknown at this time whether this variant increases cancer risk. PP3

Neuberg Centre For Genomic Medicine, NCGM
Classification: Uncertain significance for Breast-ovarian cancer, familial, susceptibility to, 3. Review status: criteria provided, single submitter. Criteria: ACMG Guidelines, 2015. Collection method: clinical testing. Allele origin: germline. Inheritance: Autosomal dominant inheritance. Affected: yes.
Comment: The missense variant c.746G>A (p.Arg249His) has been reported in an individual with breast cancer, as well as an unaffected control individual (Lu C et al., 2015). This missense variant has been submitted to ClinVar as a Variant of Uncertain Significance. The p.Arg249His variant is is observed in 0.001% alleles in gnomAD Exomes and is novel (not in any individuals) in 1000 Genomes. The amino acid Arg at position 249 is changed to a His changing protein sequence and it might alter its composition and physico-chemical properties. The variant is predicted to be damaging by both SIFT and PolyPhen2. The residue is conserved across species. The amino acid change p.Arg249His in RAD51C is predicted as conserved by GERP++ and PhyloP across 100 vertebrates. For these reasons, this variant has been classified as Variant of Uncertain Significance (VUS).

Counsyl
Classification: Uncertain significance for Fanconi anemia complementation group O; Breast-ovarian cancer, familial, susceptibility to, 3. Last evaluated: 2018-03-07. Review status: no assertion criteria provided. Collection method: clinical testing. Allele origin: unknown. Not counted in ClinVar's aggregate classification.

Literature cited by the submitters: PubMed 26261251 (cited by 7 submitters); PubMed 26689913 (cited by 7 submitters); PubMed 36099300 (cited by Labcorp Genetics (formerly Invitae), Labcorp and Color Diagnostics, LLC DBA Color Health); PubMed 37253112 (cited by 3 submitters); PubMed 33471991 (cited by 4 submitters); PubMed 35884425 (cited by Quest Diagnostics Nichols Institute San Juan Capistrano); PubMed 32832836 (cited by Quest Diagnostics Nichols Institute San Juan Capistrano); PubMed 31206626 (cited by Quest Diagnostics Nichols Institute San Juan Capistrano); PubMed 25085752 (cited by Myriad Genetics, Inc.).

NM_058216.3(RAD51C):c.746G>A (p.Arg249His)

Gene: RAD51C (RAD51 paralog C; plus strand). Cytogenetic location: 17q22.
Variant type: single nucleotide variant.
Coding change: c.746G>A on transcript NM_058216.3 (MANE Select); coding-DNA position 746, G replaced by A.
Protein change: p.Arg249His; replaces arginine 249 with histidine.
Molecular consequence: missense variant. On other transcripts: non-coding transcript variant (1).
Genome position (GRCh38, 1-based): chr17:58,709,899, G>A. VCF-style: chr17-58709899-G-A. GRCh37 (hg19) VCF-style: chr17-56787260-G-A.
Other names: p.R249H:CGT>CAT; short protein forms R249H.
Identifiers: ClinVar variation 182828 (VCV000182828.35), dbSNP rs730881925, ClinGen allele CA299864.